The following is an entry in ClinVar:

NM_201384.3(PLEC):c.3357G>A (p.Pro1119=)

Gene: PLEC (plectin; minus strand). Cytogenetic location: 8q24.3.
Variant type: single nucleotide variant.
Coding change: c.3357G>A on transcript NM_201384.3 (MANE Select); coding-DNA position 3357, G replaced by A.
Protein change: p.Pro1119=; no amino-acid change (proline 1119 retained).
Molecular consequence: synonymous variant.
Genome position (GRCh38, 1-based): chr8:143,927,896, C>T on the plus strand (G>A on the coding strand, the complement: PLEC is on the minus strand). VCF-style: chr8-143927896-C-T. GRCh37 (hg19) VCF-style: chr8-145002064-C-T.
Other names: c.3438G>A, p.Pro1146= (NM_000445.5); c.3315G>A, p.Pro1105= (NM_201378.4); c.3291G>A, p.Pro1097= (NM_201379.3); c.3768G>A, p.Pro1256= (NM_201380.4); c.3261G>A, p.Pro1087= (NM_201381.3); c.3357G>A, p.Pro1119= (NM_201382.4); c.3369G>A, p.Pro1123= (NM_201383.3); c.3438G>A (NM_000445.4).
Identifiers: ClinVar variation 1574899 (VCV001574899.10), dbSNP rs782451360, ClinGen allele CA4927114.
Genomic context (GRCh38, chr8:143,927,896, plus strand): 5'-CAAGCCTCGAAACGATACCTTCAGAGAGGCCTTGGTGGCCTCGAGCTCCGGGAGGGTGGC[C>T]GGCACGGCCTGGGCCTCCTTGAGCTGCTCCTCGTGGGCCCTGAGCACCTCCTCGGCCCCC-3'
Protein context (NP_958786.1, residues 1109-1129): EEQLKEAQAV[Pro1119=]ATLPELEATK

ClinVar aggregate classification (germline): Likely benign. Review status: criteria provided, single submitter (1 of 4 stars). 2 submissions from 2 submitters: Likely benign (1). 1 of the submissions does not count toward it. Last evaluated 2022-10-04.

Conditions:
Epidermolysis bullosa simplex, Ogna type (EBS5A). Also called: Pidermolysis bullosa simplex 5A, Ogna type; EPIDERMOLYSIS BULLOSA SIMPLEX 5A, OGNA TYPE. Identifiers: Orphanet 79401, MedGen C0432317, MONDO:0007555, OMIM 131950.
Epidermolysis bullosa simplex 5C, with pyloric atresia (EBS5C). Also called: PLEC-Related Epidermolysis Bullosa with Pyloric Atresia; Epidermolysis bullosa simplex with pyloric atresia; PLEC1-Related Epidermolysis Bullosa with Pyloric Atresia. Identifiers: Orphanet 158684, MedGen C2677349, MONDO:0012807, OMIM 612138.
Epidermolysis bullosa simplex 5B, with muscular dystrophy (EBS5B). Also called: EPIDERMOLYSIS BULLOSA SIMPLEX AND LIMB-GIRDLE MUSCULAR DYSTROPHY; Epidermolysis bullosa simplex with muscular dystrophy. Identifiers: Orphanet 257, MedGen C2931072, MONDO:0009181, OMIM 226670.
Autosomal recessive limb-girdle muscular dystrophy type 2Q (LGMDR17). Also called: MUSCULAR DYSTROPHY, LIMB-GIRDLE, AUTOSOMAL RECESSIVE 17. Identifiers: Orphanet 254361, MedGen C3150989, MONDO:0013390, OMIM 613723.
Epidermolysis bullosa simplex with nail dystrophy (EBS5D). Identifiers: MedGen C4225309, MONDO:0014661, OMIM 616487.
PLEC-related disorder. Also called: PLEC-related condition; PLEC-related disorders.

Allele frequency attached by ClinVar (database versions not stated): gnomAD 0.00001; gnomAD exomes 0.00002; TOPMed 0.00003; ExAC 0.00006.
gnomAD v4.1: 8 of 1,594,182 alleles (0.0005%); highest among the groups gnomAD compares: Admixed American, 0.0018%; no homozygotes.

Submissions (2):

Labcorp Genetics (formerly Invitae), Labcorp
Classification: Likely benign for Autosomal recessive limb-girdle muscular dystrophy type 2Q; Epidermolysis bullosa simplex, Ogna type; Epidermolysis bullosa simplex with nail dystrophy; Epidermolysis bullosa simplex 5C, with pyloric atresia; Epidermolysis bullosa simplex 5B, with muscular dystrophy. Last evaluated: 2022-10-04. Review status: criteria provided, single submitter. Criteria: Invitae Variant Classification Sherloc (09022015). Collection method: clinical testing. Allele origin: germline.

PreventionGenetics, part of Exact Sciences
Classification: Likely benign for PLEC-related condition. Last evaluated: 2019-07-16. Review status: no assertion criteria provided. Collection method: clinical testing. Allele origin: germline. Not counted in ClinVar's aggregate classification.
Comment: This variant is classified as likely benign based on ACMG/AMP sequence variant interpretation guidelines (Richards et al. 2015 PMID: 25741868, with internal and published modifications).